The following is an entry in ClinVar:

NM_000169.3(GLA):c.142G>A (p.Glu48Lys)

Genes: GLA (galactosidase alpha; minus strand), RPL36A-HNRNPH2 (RPL36A-HNRNPH2 readthrough; plus strand). Cytogenetic location: Xq22.1.
Variant type: single nucleotide variant.
Coding change: c.142G>A on transcript NM_000169.3 (MANE Select); coding-DNA position 142, G replaced by A.
Protein change: p.Glu48Lys; replaces glutamic acid 48 with lysine.
Molecular consequence: missense variant. On other transcripts: non-coding transcript variant (3), intron variant (2).
Genome position (GRCh38, 1-based): chrX:101,407,762, C>T on the plus strand (G>A on the coding strand, the complement: GLA is on the minus strand). VCF-style: chrX-101407762-C-T. GRCh37 (hg19) VCF-style: chrX-100662750-C-T.
Other names: c.142G>A, p.Glu48Lys (NM_001406747.1, NM_001406748.1, NM_001406749.1); c.301-4174C>T (NM_001199973.2); c.178-4174C>T (NM_001199974.2); short protein forms E48K.
Identifiers: ClinVar variation 4087683 (VCV004087683.2).

ClinVar aggregate classification (germline): Pathogenic (1 of 4 stars; one submission).

Conditions:
Fabry disease. Also called: ALPHA-GALACTOSIDASE A DEFICIENCY; ANDERSON-FABRY DISEASE; CERAMIDE TRIHEXOSIDASE DEFICIENCY; GLA DEFICIENCY; HEREDITARY DYSTOPIC LIPIDOSIS; Angiokeratoma corporis diffusum. Identifiers: Orphanet 324, MedGen C0002986, MONDO:0010526, OMIM 301500, HP:0001071. Disease mechanism: Fabry disease is due to inactivating mutations in the X-linked GLA gene resulting in deficiency of the enzyme Alpha Galactosidase-A., loss of function.

Submission:

Genomenon, Inc
Classification: Pathogenic for Fabry disease. Last evaluated: 2026-09-08. Review status: criteria provided, single submitter. Criteria: Genomenon Sequence Variant Interpretation Standards - Updated. Collection method: curation. Allele origin: germline. Affected: yes.
Comment: GLA p.Glu48Lys (c.142G>A) is a missense variant that changes the amino acid at codon 48 from Glutamic acid to Lysine. This variant has been observed in at least one proband with clinical features consistent with Fabry disease (PMID:12938095). At least one functional study has demonstrated a substantial alteration in protein function relative to the wild-type (PMID:27657681). This variant is located in a mutational hotspot and/or important functional domain. It is absent or not present at a significant frequency in gnomAD. In silico models predict that this variant is possibly or probably damaging. In conclusion, we classify GLA p.Glu48Lys (c.142G>A) as a pathogenic variant.

Literature cited by the submitters: PubMed 12938095; PubMed 27657681.